The following is an entry in ClinVar:

NM_006231.4(POLE):c.4849A>T (p.Ile1617Phe)

Gene: POLE (DNA polymerase epsilon, catalytic subunit; minus strand). Cytogenetic location: 12q24.33.
Variant type: single nucleotide variant.
Coding change: c.4849A>T on transcript NM_006231.4 (MANE Select); coding-DNA position 4849, A replaced by T.
Protein change: p.Ile1617Phe; replaces isoleucine 1617 with phenylalanine.
Molecular consequence: missense variant.
Genome position (GRCh38, 1-based): chr12:132,642,609, T>A on the plus strand (A>T on the coding strand, the complement: POLE is on the minus strand). VCF-style: chr12-132642609-T-A. GRCh37 (hg19) VCF-style: chr12-133219195-T-A.
Other names: short protein forms I1617F.
Identifiers: ClinVar variation 1743541 (VCV001743541.2), dbSNP rs1420402052, ClinGen allele CA387378165.

ClinVar aggregate classification (germline): Uncertain significance (1 of 4 stars; one submission).

Conditions:
Hereditary cancer-predisposing syndrome. Also called: Hereditary Cancer Syndrome; Neoplastic Syndromes, Hereditary; Tumor predisposition; Hereditary neoplastic syndrome. Identifiers: Orphanet 140162, MedGen C0027672, MeSH D009386, MONDO:0015356.

Allele frequency attached by ClinVar (database versions not stated): gnomAD exomes below 0.00001.
gnomAD v4.1: 1 of 1,613,502 alleles (0.000062%); no homozygotes.

Submission:

Ambry Genetics
Classification: Uncertain significance for Hereditary cancer-predisposing syndrome. Last evaluated: 2021-12-06. Review status: criteria provided, single submitter. Criteria: Ambry Variant Classification Scheme 2023. Collection method: clinical testing. Allele origin: germline.
Comment: The p.I1617F variant (also known as c.4849A>T), located in coding exon 37 of the POLE gene, results from an A to T substitution at nucleotide position 4849. The isoleucine at codon 1617 is replaced by phenylalanine, an amino acid with highly similar properties. This amino acid position is conserved. In addition, this alteration is predicted to be tolerated by in silico analysis. Since supporting evidence is limited at this time, the clinical significance of this alteration remains unclear.